The following is an entry in ClinVar:

NM_033225.6(CSMD1):c.6601G>C (p.Ala2201Pro)

Gene: CSMD1 (CUB and Sushi multiple domains 1; minus strand). Cytogenetic location: 8p23.2.
Variant type: single nucleotide variant.
Coding change: c.6601G>C on transcript NM_033225.6 (MANE Select); coding-DNA position 6601, G replaced by C.
Protein change: p.Ala2201Pro; replaces alanine 2201 with proline.
Molecular consequence: missense variant.
Genome position (GRCh38, 1-based): chr8:3,110,165, C>G on the plus strand (G>C on the coding strand, the complement: CSMD1 is on the minus strand). VCF-style: chr8-3110165-C-G. GRCh37 (hg19) VCF-style: chr8-2967687-C-G.
Other names: short protein forms A2201P.
Identifiers: ClinVar variation 3348714 (VCV003348714.1).
Genomic context (GRCh38, chr8:3,110,165, plus strand): 5'-GTCAGAATTGTTGATCACAATTACAGATATTTTGACTTGAGAGGTTCTCATACCAAACAG[C>G]AATGTAATCGTTGACAGCTTCCGTCTGTAACAGGGTGAAGTTGATGTAAACTCCGTGCCC-3'
Protein context (NP_150094.5, residues 2191-2211): LQTEAVNDYI[Ala2201Pro]VWDGPDQNSP

ClinVar aggregate classification (germline): Uncertain significance (0 of 4 stars; one submission).

Conditions:
CSMD1-related disorder. Also called: CSMD1-related condition.

Submission:

PreventionGenetics, part of Exact Sciences
Classification: Uncertain significance for CSMD1-related condition. Last evaluated: 2024-04-09. Review status: no assertion criteria provided. Collection method: clinical testing. Allele origin: germline.
Comment: The CSMD1 c.6601G>C variant is predicted to result in the amino acid substitution p.Ala2201Pro. To our knowledge, this variant has not been reported in the literature or in a large population database, indicating this variant is rare. At this time, the clinical significance of this variant is uncertain due to the absence of conclusive functional and genetic evidence.